The following is an entry in ClinVar:

ClinVar aggregate classification (germline): Pathogenic (1 of 4 stars; one submission).

Submission:

GeneDx
Classification: Pathogenic. Last evaluated: 2012-10-10. Review status: criteria provided, single submitter. Criteria: GeneDx Variant Classification (06012015). Collection method: clinical testing. Allele origin: germline. Affected: yes.
Comment: p.Tyr1598Stop (TAT>TAG):c.4794 T>G in exon 25 of the SCN1A gene (NM_001165963.1) The Tyr1598Stop nonsense mutation in the SCN1A gene has been reported previously in association with Dravet syndrome (Harkin et al., 2007). In that individual, the nucleotide substitution at the cDNA level was c.4794 T>A rather than T>G as observed here; however, the effect at the protein level is the same, resulting in the Tyr1598Stop mutation.This mutation is predicted to cause loss of normal protein function either through protein truncation or nonsense-mediated mRNA decay. The variant is found in CHILD-EPI panel(s).

NM_001165963.4(SCN1A):c.4794T>G (p.Tyr1598Ter)

Genes: SCN1A (sodium voltage-gated channel alpha subunit 1; minus strand), LOC102724058 (uncharacterized LOC102724058; plus strand). Cytogenetic location: 2q24.3.
Variant type: single nucleotide variant.
Coding change: c.4794T>G on transcript NM_001165963.4 (MANE Select); coding-DNA position 4794, T replaced by G.
Protein change: p.Tyr1598Ter; replaces tyrosine 1598 with a stop codon.
Molecular consequence: nonsense. On other transcripts: non-coding transcript variant (1).
Genome position (GRCh38, 1-based): chr2:165,994,204, A>C on the plus strand (T>G on the coding strand, the complement: SCN1A is on the minus strand). VCF-style: chr2-165994204-A-C. GRCh37 (hg19) VCF-style: chr2-166850714-A-C.
Other names: p.Y1598*:TAT>TAG; c.4710T>G, p.Tyr1570Ter (NM_001165964.3, NM_001353957.2, NM_001353958.2); c.4794T>G, p.Tyr1598Ter (NM_001202435.3, NM_001353948.2); c.4761T>G, p.Tyr1587Ter (NM_001353949.2, NM_001353950.2, NM_001353951.2 and 2 more transcripts); c.4758T>G, p.Tyr1586Ter (NM_001353954.2, NM_001353955.2); c.4707T>G, p.Tyr1569Ter (NM_001353960.2); c.2352T>G, p.Tyr784Ter (NM_001353961.2); short protein forms Y1587*, Y1598*, Y1570*, Y784*, Y1569*, Y1586*.
Identifiers: ClinVar variation 206847 (VCV000206847.2), dbSNP rs796053026, ClinGen allele CA317533.